The following is an entry in ClinVar:

NM_000090.4(COL3A1):c.2568C>T (p.Pro856=)

Gene: COL3A1 (collagen type III alpha 1 chain; plus strand). Cytogenetic location: 2q32.2.
Variant type: single nucleotide variant.
Coding change: c.2568C>T on transcript NM_000090.4 (MANE Select); coding-DNA position 2568, C replaced by T.
Protein change: p.Pro856=; no amino-acid change (proline 856 retained).
Molecular consequence: synonymous variant.
Genome position (GRCh38, 1-based): chr2:189,003,425, C>T. VCF-style: chr2-189003425-C-T. GRCh37 (hg19) VCF-style: chr2-189868151-C-T.
Identifiers: ClinVar variation 628735 (VCV000628735.5), dbSNP rs767262368, ClinGen allele CA075411.

ClinVar aggregate classification (germline): Likely benign. Review status: criteria provided, multiple submitters, no conflicts (2 of 4 stars). 3 submissions from 3 submitters: Likely benign (3). Last evaluated 2025-09-23.

Conditions:
COL3A1-related disorder. Also called: COL3A1-related condition.
Familial thoracic aortic aneurysm and aortic dissection (TAAD). Also called: Thoracic aortic aneurysms and dissections. Identifiers: Orphanet 91387, MedGen C4707243, MONDO:0019625.
Ehlers-Danlos syndrome, type 4 (EDSVASC). Also called: Ehlers-Danlos syndrome vascular type; Ehlers Danlos syndrome, ecchymotic type; Ehlers Danlos syndrome, arterial type; Ehlers Danlos syndrome, Sack-Barabas type; Ehlers-Danlos Syndrome Type IV. Identifiers: Orphanet 286, MedGen C0268338, MONDO:0017314, OMIM 130050.

Allele frequency attached by ClinVar (database versions not stated): gnomAD exomes below 0.00001; ExAC 0.00001.
gnomAD v4.1: 1 of 1,613,186 alleles (0.000062%); highest among the groups gnomAD compares: Non-Finnish European, 0.000085%; no homozygotes.

Submissions (3):

PreventionGenetics, part of Exact Sciences
Classification: Likely benign for COL3A1-related condition. Last evaluated: 2025-09-23. Review status: criteria provided, single submitter. Criteria: ACMG Guidelines, 2015. Collection method: clinical testing. Allele origin: germline.
Comment: This variant is classified as likely benign based on ACMG/AMP sequence variant interpretation guidelines (Richards et al. 2015 PMID: 25741868, with internal and published modifications).

Labcorp Genetics (formerly Invitae), Labcorp
Classification: Likely benign for Ehlers-Danlos syndrome, type 4. Last evaluated: 2024-09-02. Review status: criteria provided, single submitter. Criteria: Invitae Variant Classification Sherloc (09022015). Collection method: clinical testing. Allele origin: germline.

Color Diagnostics, LLC DBA Color Health
Classification: Likely benign for Familial thoracic aortic aneurysm and aortic dissection. Last evaluated: 2018-06-25. Review status: criteria provided, single submitter. Criteria: ACMG Guidelines, 2015. Collection method: clinical testing. Allele origin: germline.